The following is an entry in ClinVar:

NM_006218.4(PIK3CA):c.2491C>T (p.Leu831Phe)

Gene: PIK3CA (phosphatidylinositol-4,5-bisphosphate 3-kinase catalytic subunit alpha; plus strand). Cytogenetic location: 3q26.32.
Variant type: single nucleotide variant.
Coding change: c.2491C>T on transcript NM_006218.4 (MANE Select); coding-DNA position 2491, C replaced by T.
Protein change: p.Leu831Phe; replaces leucine 831 with phenylalanine.
Molecular consequence: missense variant.
Genome position (GRCh38, 1-based): chr3:179,226,036, C>T. VCF-style: chr3-179226036-C-T. GRCh37 (hg19) VCF-style: chr3-178943824-C-T.
Other names: short protein forms L831F.
Identifiers: ClinVar variation 4825369 (VCV004825369.1).
Genomic context (GRCh38, chr3:179,226,036, plus strand): 5'-ATGCTAACACTTCAAATTATTCGTATTATGGAAAATATCTGGCAAAATCAAGGTCTTGAT[C>T]TTCGGTAGGTAACCAGTAAGGCAACCTGTATGTTGAAAGTTATCCTGAAAAAGTGAACTA-3'
Protein context (NP_006209.2, residues 821-841): ENIWQNQGLD[Leu831Phe]RMLPYGCLSI

ClinVar aggregate classification (germline): Uncertain significance (1 of 4 stars; one submission).

Conditions:
Inborn genetic diseases. Identifiers: MedGen C0950123, MeSH D030342.

Submission:

Ambry Genetics
Classification: Uncertain significance for Inborn genetic diseases. Last evaluated: 2026-02-16. Review status: criteria provided, single submitter. Criteria: Ambry Variant Classification Scheme 2023. Collection method: clinical testing. Allele origin: germline.
Comment: The p.L831F variant (also known as c.2491C>T), located in coding exon 16 of the PIK3CA gene, results from a C to T substitution at nucleotide position 2491. The leucine at codon 831 is replaced by phenylalanine, an amino acid with highly similar properties. This amino acid position is conserved. In addition, this alteration is predicted to be deleterious by in silico analysis. Based on the available evidence, the clinical significance of this variant remains unclear.